The following is an entry in ClinVar:

ClinVar aggregate classification (germline): Conflicting classifications of pathogenicity. Review status: criteria provided, conflicting classifications (1 of 4 stars). 2 submissions from 2 submitters: Likely pathogenic (1); Uncertain significance (1). Last evaluated 2024-11-06.

Conditions:
Stickler syndrome type 2 (STL2). Also called: STICKLER SYNDROME, BEADED VITREOUS TYPE; STICKLER SYNDROME, VITREOUS TYPE 2; STICKLER SYNDROME, TYPE II; COL11A1-Related Stickler Syndrome. Identifiers: Orphanet 828, Orphanet 90654, MedGen C1858084, MONDO:0011493, OMIM 604841.
Marshall syndrome (MRSHS). Identifiers: Orphanet 560, MedGen C0265235, MONDO:0007949, OMIM 154780.

Allele frequency attached by ClinVar (database versions not stated): gnomAD exomes below 0.00001.
gnomAD v4.1: 6 of 1,612,474 alleles (0.00037%); highest among the groups gnomAD compares: East Asian, 0.0045%; no homozygotes.

Submissions (2):

Labcorp Genetics (formerly Invitae), Labcorp
Classification: Uncertain significance. Last evaluated: 2024-11-06. Review status: criteria provided, single submitter. Criteria: Invitae Variant Classification Sherloc (09022015). Collection method: clinical testing. Allele origin: germline.
Comment: This sequence change replaces glycine, which is neutral and non-polar, with serine, which is neutral and polar, at codon 1039 of the COL11A1 protein (p.Gly1039Ser). This variant is present in population databases (rs764282256, gnomAD 0.01%). This missense change has been observed in individual(s) with COL11A1-related conditions (PMID: 32963807). ClinVar contains an entry for this variant (Variation ID: 929473). Experimental studies and prediction algorithms are not available or were not evaluated, and the functional significance of this variant is currently unknown. In summary, the available evidence is currently insufficient to determine the role of this variant in disease. Therefore, it has been classified as a Variant of Uncertain Significance.

Department of Paediatrics and Adolescent Medicine, The University of Hong Kong
Classification: Likely pathogenic for Stickler syndrome type 2; Marshall syndrome. Last evaluated: 2020-06-02. Review status: criteria provided, single submitter. Criteria: ACMG Guidelines, 2015. Collection method: research. Allele origin: unknown. Inheritance: Autosomal dominant inheritance. Affected: yes.

Literature cited by the submitters: PubMed 32963807 (cited by Labcorp Genetics (formerly Invitae), Labcorp and Department of Paediatrics and Adolescent Medicine, The University of Hong Kong).

NM_001854.4(COL11A1):c.3115G>A (p.Gly1039Ser)

Gene: COL11A1 (collagen type XI alpha 1 chain; minus strand). Cytogenetic location: 1p21.1.
Variant type: single nucleotide variant.
Coding change: c.3115G>A on transcript NM_001854.4 (MANE Select); coding-DNA position 3115, G replaced by A.
Protein change: p.Gly1039Ser; replaces glycine 1039 with serine.
Molecular consequence: missense variant. On other transcripts: non-coding transcript variant (1).
Genome position (GRCh38, 1-based): chr1:102,961,919, C>T on the plus strand (G>A on the coding strand, the complement: COL11A1 is on the minus strand). VCF-style: chr1-102961919-C-T. GRCh37 (hg19) VCF-style: chr1-103427475-C-T.
Other names: c.2998G>A, p.Gly1000Ser (NM_001190709.2); c.3151G>A, p.Gly1051Ser (NM_080629.3); c.2767G>A, p.Gly923Ser (NM_080630.4); short protein forms G1000S, G1039S, G1051S, G923S.
Identifiers: ClinVar variation 929473 (VCV000929473.4), dbSNP rs764282256, ClinGen allele CA974137.